The following is an entry in ClinVar:

ClinVar aggregate classification (germline): Uncertain significance (1 of 4 stars; one submission).

Allele frequency attached by ClinVar (database versions not stated): gnomAD exomes below 0.00001.
gnomAD v4.1: 2 of 1,613,668 alleles (0.00012%); highest among the groups gnomAD compares: Admixed American, 0.0017%; no homozygotes.

Submission:

Labcorp Genetics (formerly Invitae), Labcorp
Classification: Uncertain significance. Last evaluated: 2024-02-23. Review status: criteria provided, single submitter. Criteria: Invitae Variant Classification Sherloc (09022015). Collection method: clinical testing. Allele origin: germline.
Comment: This sequence change replaces threonine, which is neutral and polar, with proline, which is neutral and non-polar, at codon 786 of the BICC1 protein (p.Thr786Pro). This variant is present in population databases (no rsID available, gnomAD 0.003%). This variant has not been reported in the literature in individuals affected with BICC1-related conditions. An algorithm developed to predict the effect of missense changes on protein structure and function (PolyPhen-2) suggests that this variant is likely to be tolerated. In summary, the available evidence is currently insufficient to determine the role of this variant in disease. Therefore, it has been classified as a Variant of Uncertain Significance.

NM_001080512.3(BICC1):c.2356A>C (p.Thr786Pro)

Genes: BICC1 (BicC family RNA binding protein 1; plus strand), LOC126860938 (MED14-independent group 3 enhancer GRCh37_chr10:60566642-60567841; plus strand). Cytogenetic location: 10q21.1.
Variant type: single nucleotide variant.
Coding change: c.2356A>C on transcript NM_001080512.3 (MANE Select); coding-DNA position 2356, A replaced by C.
Protein change: p.Thr786Pro; replaces threonine 786 with proline.
Molecular consequence: missense variant.
Genome position (GRCh38, 1-based): chr10:58,807,138, A>C. VCF-style: chr10-58807138-A-C. GRCh37 (hg19) VCF-style: chr10-60566898-A-C.
Other names: short protein forms T786P.
Identifiers: ClinVar variation 2878894 (VCV002878894.3), dbSNP rs1245292422, ClinGen allele CA376980247.
Genomic context (GRCh38, chr10:58,807,138, plus strand): 5'-TCCATGCCAGCTGAAACTATCAAGGAGTTGAGAAGGGCCAATCATGTGTCCTATAAGCCC[A>C]CAATGACAACCACTTATGAGGTTTGTAGAGTCATGTCCTACTCATTCTTCCTGTCTGTTC-3'
Protein context (NP_001073981.1, residues 776-796): RRANHVSYKP[Thr786Pro]MTTTYEGSSM